The following is an entry in ClinVar:

ClinVar aggregate classification (germline): Conflicting classifications of pathogenicity. Review status: criteria provided, conflicting classifications (1 of 4 stars). 4 submissions from 4 submitters: Likely pathogenic (1); Uncertain significance (2). 1 of the submissions does not count toward it. Last evaluated 2024-04-17.

Conditions:
Finnish congenital nephrotic syndrome (NPHS1). Also called: NEPHROTIC SYNDROME, TYPE 1. Identifiers: Orphanet 839, MedGen C0403399, MONDO:0009732, OMIM 256300.
Nephrotic syndrome. Identifiers: MedGen C0027726, MONDO:0005377, HP:0000100.

Allele frequency attached by ClinVar (database versions not stated): gnomAD exomes below 0.00001; ExAC 0.00001.
gnomAD v4.1: 3 of 1,613,618 alleles (0.00019%); highest among the groups gnomAD compares: Non-Finnish European, 0.00017%; no homozygotes.

Submissions (4):

Fulgent Genetics
Classification: Likely pathogenic for Finnish congenital nephrotic syndrome. Last evaluated: 2024-04-17. Review status: criteria provided, single submitter. Criteria: ACMG Guidelines, 2015. Collection method: clinical testing. Allele origin: germline.

Labcorp Genetics (formerly Invitae), Labcorp
Classification: Uncertain significance. Last evaluated: 2023-04-24. Review status: criteria provided, single submitter. Criteria: Invitae Variant Classification Sherloc (09022015). Collection method: clinical testing. Allele origin: germline.
Comment: Variants that disrupt the consensus splice site are a relatively common cause of aberrant splicing (PMID: 17576681, 9536098). Algorithms developed to predict the effect of sequence changes on RNA splicing suggest that this variant may disrupt the consensus splice site. ClinVar contains an entry for this variant (Variation ID: 635016). This variant has been observed in individuals with nephrotic syndrome (PMID: 29127259, 31456999). This sequence change falls in intron 18 of the NPHS1 gene. It does not directly change the encoded amino acid sequence of the NPHS1 protein. It affects a nucleotide within the consensus splice site. This variant is present in population databases (rs762704370, gnomAD 0.005%). In summary, the available evidence is currently insufficient to determine the role of this variant in disease. Therefore, it has been classified as a Variant of Uncertain Significance.

Broad Center for Mendelian Genomics, Broad Institute of MIT and Harvard
Classification: Uncertain significance for Finnish congenital nephrotic syndrome. Last evaluated: 2018-06-15. Review status: criteria provided, single submitter. Criteria: ACMG Guidelines, 2015. Collection method: research. Allele origin: germline. Inheritance: Autosomal recessive inheritance. Affected: yes.
Comment: This variant was absent from large population studies. This variant is located in the 5' splice region, and computational tools do not suggest an impact to splicing. However, this information is not predictive enough to rule out pathogenicity. In summary, while there is some suspicion for a pathogenic role, the clinical significance of this variant is uncertain.

Yale Center for Mendelian Genomics, Yale University
Classification: Likely pathogenic for Nephrotic syndrome. Last evaluated: 2017-11-10. Review status: no assertion criteria provided. Collection method: literature only. Allele origin: germline. Affected: yes. Observed: 1 compound heterozygote. Study: Yale Center for Mendelian Genomics. Not counted in ClinVar's aggregate classification.

Literature cited by the submitters: PubMed 17576681 (cited by Labcorp Genetics (formerly Invitae), Labcorp); PubMed 9536098 (cited by Labcorp Genetics (formerly Invitae), Labcorp); PubMed 29127259 (cited by Labcorp Genetics (formerly Invitae), Labcorp and Yale Center for Mendelian Genomics, Yale University); PubMed 31456999 (cited by Labcorp Genetics (formerly Invitae), Labcorp).

NM_004646.4(NPHS1):c.2506+5G>T

Gene: NPHS1 (NPHS1 adhesion molecule, nephrin; minus strand). Cytogenetic location: 19q13.12.
Variant type: single nucleotide variant.
Coding change: c.2506+5G>T on transcript NM_004646.4 (MANE Select); 5 bases into the intron after coding-DNA position 2506, G replaced by T.
Molecular consequence: intron variant.
Genome position (GRCh38, 1-based): chr19:35,842,374, C>A on the plus strand (G>T on the coding strand, the complement: NPHS1 is on the minus strand). VCF-style: chr19-35842374-C-A. GRCh37 (hg19) VCF-style: chr19-36333276-C-A.
Identifiers: ClinVar variation 635016 (VCV000635016.12), dbSNP rs762704370, ClinGen allele CA9390120.
Genomic context (GRCh38, chr19:35,842,374, plus strand): 5'-TGGGAGACATGAGGGCTGTGGGTTCAGTGGCAGGTCTTGAAGTCAGGTGTTTGGGTAATA[C>A]CCACATCTGACAACAAGACGGAGCAGCCGTCGTGCTGGAGGCGCCACCCCATTGTCCACA-3'